The following is an entry in ClinVar:

ClinVar aggregate classification (germline): Conflicting classifications of pathogenicity. Review status: criteria provided, conflicting classifications (1 of 4 stars). 2 submissions from 2 submitters: Likely pathogenic (1); Uncertain significance (1). Last evaluated 2022-02-03.

Conditions:
WDR45-related disorder. Also called: WDR45-related condition.
Neurodegeneration with brain iron accumulation 5 (NBIA5). Also called: Beta-propeller protein-associated neurodegeneration; STATIC ENCEPHALOPATHY OF CHILDHOOD WITH NEURODEGENERATION IN ADULTHOOD. Identifiers: Orphanet 329284, MedGen C3550973, MONDO:0010476, OMIM 300894.

Submissions (2):

Labcorp Genetics (formerly Invitae), Labcorp
Classification: Uncertain significance for Neurodegeneration with brain iron accumulation 5. Last evaluated: 2022-02-03. Review status: criteria provided, single submitter. Criteria: Invitae Variant Classification Sherloc (09022015). Collection method: clinical testing. Allele origin: germline.
Comment: In summary, the available evidence is currently insufficient to determine the role of this variant in disease. Therefore, it has been classified as a Variant of Uncertain Significance. Variants that disrupt the consensus splice site are a relatively common cause of aberrant splicing (PMID: 17576681, 9536098). Algorithms developed to predict the effect of sequence changes on RNA splicing suggest that this variant may disrupt the consensus splice site. This variant has not been reported in the literature in individuals affected with WDR45-related conditions. This variant is not present in population databases (gnomAD no frequency). This sequence change affects codon 173 of the WDR45 mRNA. It is a 'silent' change, meaning that it does not change the encoded amino acid sequence of the WDR45 protein. This variant also falls at the last nucleotide of exon 8, which is part of the consensus splice site for this exon.

Blueprint Genetics
Classification: Likely pathogenic for WDR45-related disorders. Last evaluated: 2021-05-30. Review status: criteria provided, single submitter. Criteria: ACMG Guidelines, 2015. Collection method: clinical testing. Allele origin: germline. Affected: yes. Observed: 1 variant allele.

Literature cited by the submitters: PubMed 17576681 (cited by Labcorp Genetics (formerly Invitae), Labcorp); PubMed 9536098 (cited by Labcorp Genetics (formerly Invitae), Labcorp).

NM_001029896.2(WDR45):c.516G>A (p.Val172=)

Gene: WDR45 (WD repeat domain 45; minus strand). Cytogenetic location: Xp11.23.
Variant type: single nucleotide variant.
Coding change: c.516G>A on transcript NM_001029896.2 (MANE Select); coding-DNA position 516, G replaced by A.
Protein change: p.Val172=; no amino-acid change (valine 172 retained).
Molecular consequence: synonymous variant.
Genome position (GRCh38, 1-based): chrX:49,075,866, C>T on the plus strand (G>A on the coding strand, the complement: WDR45 is on the minus strand). VCF-style: chrX-49075866-C-T. GRCh37 (hg19) VCF-style: chrX-48933525-C-T.
Other names: c.519G>A, p.Val173= (NM_007075.4).
Identifiers: ClinVar variation 2092216 (VCV002092216.5), dbSNP rs387907330, ClinGen allele CA516041380.
Genomic context (GRCh38, chrX:49,075,866, plus strand): 5'-AAGAGTCCACAAGGAAGCCAGTCCACCAACCTACCCACCCTTGTCCACTGGACGGCTCAC[C>T]ACAAGTTGCAGACTCCCACACTTGTGTCCCGGGAACACTAGCAGTTGCTTCTCCAGGCTG-3'
Protein context (NP_001025067.1, residues 162-182): PGHKCGSLQL[Val172=]DLASTKPGTS